The following is an entry in ClinVar:

NM_020166.5(MCCC1):c.1984G>T (p.Val662Phe)

Gene: MCCC1 (methylcrotonyl-CoA carboxylase subunit 1; minus strand). Cytogenetic location: 3q27.1.
Variant type: single nucleotide variant.
Coding change: c.1984G>T on transcript NM_020166.5 (MANE Select); coding-DNA position 1984, G replaced by T.
Protein change: p.Val662Phe; replaces valine 662 with phenylalanine.
Molecular consequence: missense variant. On other transcripts: non-coding transcript variant (2).
Genome position (GRCh38, 1-based): chr3:183,017,331, C>A on the plus strand (G>T on the coding strand, the complement: MCCC1 is on the minus strand). VCF-style: chr3-183017331-C-A. GRCh37 (hg19) VCF-style: chr3-182735119-C-A.
Other names: c.1633G>T, p.Val545Phe (NM_001293273.2); c.1657G>T, p.Val553Phe (NM_001363880.1); short protein forms V662F, V545F, V553F.
Identifiers: ClinVar variation 2987408 (VCV002987408.3), dbSNP rs1043492520, ClinGen allele CA355314211.

ClinVar aggregate classification (germline): Uncertain significance (1 of 4 stars; one submission).

Conditions:
3-methylcrotonyl-CoA carboxylase 1 deficiency (MCC1D). Also called: MCC 1 deficiency; 3 Alpha methylcrotonylglycinuria 1; MCCD TYPE 1; METHYLCROTONYLGLYCINURIA TYPE I. Identifiers: Orphanet 6, MedGen CN028786, MONDO:0008861, OMIM 210200.

Allele frequency attached by ClinVar (database versions not stated): gnomAD exomes below 0.00001; gnomAD 0.00001; TOPMed 0.00001.
gnomAD v4.1: 5 of 1,613,696 alleles (0.00031%); highest among the groups gnomAD compares: Non-Finnish European, 0.00042%; no homozygotes.

Submission:

Labcorp Genetics (formerly Invitae), Labcorp
Classification: Uncertain significance for 3-methylcrotonyl-CoA carboxylase 1 deficiency. Last evaluated: 2023-11-12. Review status: criteria provided, single submitter. Criteria: Invitae Variant Classification Sherloc (09022015). Collection method: clinical testing. Allele origin: germline.
Comment: This sequence change replaces valine, which is neutral and non-polar, with phenylalanine, which is neutral and non-polar, at codon 662 of the MCCC1 protein (p.Val662Phe). This variant is not present in population databases (gnomAD no frequency). This variant has not been reported in the literature in individuals affected with MCCC1-related conditions. Advanced modeling of protein sequence and biophysical properties (such as structural, functional, and spatial information, amino acid conservation, physicochemical variation, residue mobility, and thermodynamic stability) has been performed at Invitae for this missense variant, however the output from this modeling did not meet the statistical confidence thresholds required to predict the impact of this variant on MCCC1 protein function. In summary, the available evidence is currently insufficient to determine the role of this variant in disease. Therefore, it has been classified as a Variant of Uncertain Significance.